The following is an entry in ClinVar:

NM_000282.4(PCCA):c.289G>A (p.Asp97Asn)

Gene: PCCA (propionyl-CoA carboxylase subunit alpha; plus strand). Cytogenetic location: 13q32.3.
Variant type: single nucleotide variant.
Coding change: c.289G>A on transcript NM_000282.4 (MANE Select); coding-DNA position 289, G replaced by A.
Protein change: p.Asp97Asn; replaces aspartic acid 97 with asparagine.
Molecular consequence: missense variant. On other transcripts: 5 prime UTR variant (3), non-coding transcript variant (5).
Genome position (GRCh38, 1-based): chr13:100,112,050, G>A. VCF-style: chr13-100112050-G-A. GRCh37 (hg19) VCF-style: chr13-100764304-G-A.
Other names: c.211G>A, p.Asp71Asn (NM_001127692.3, NM_001352607.2, NM_001352608.2); c.289G>A, p.Asp97Asn (NM_001178004.2, NM_001352605.2, NM_001352606.2 and 1 more transcripts); c.-578G>A (NM_001352610.2, NM_001352611.2, NM_001352612.2); short protein forms D71N, D97N.
Identifiers: ClinVar variation 2306074 (VCV002306074.4), dbSNP rs769123322, ClinGen allele CA7033165.
Genomic context (GRCh38, chr13:100,112,050, plus strand): 5'-TAGGTTATTAGAACTTGCAAGAAGATGGGCATTAAGACAGTTGCCATCCACAGTGATGTT[G>A]ATGCTAGTTCTGTAAGTATATTTTTGCTTTGTTTAAATCAGGACTTAATTTTGGGTCAAG-3'
Protein context (NP_000273.2, residues 87-107): IKTVAIHSDV[Asp97Asn]ASSVHVKMAD

ClinVar aggregate classification (germline): Uncertain significance. Review status: criteria provided, multiple submitters, no conflicts (2 of 4 stars). 3 submissions from 3 submitters: Uncertain significance (2). 1 of the submissions does not count toward it. Last evaluated 2022-08-08.

Conditions:
Propionic acidemia (PROP). Also called: GLYCINEMIA, KETOTIC; HYPERGLYCINEMIA WITH KETOACIDOSIS AND LEUKOPENIA; KETOTIC HYPERGLYCINEMIA. Identifiers: Orphanet 35, MedGen C0268579, MONDO:0011628, OMIM 606054, HP:0003571.
Inborn genetic diseases. Identifiers: MedGen C0950123, MeSH D030342.

Allele frequency attached by ClinVar (database versions not stated): ExAC 0.00002.
gnomAD v4.1: 7 of 1,609,712 alleles (0.00043%); highest among the groups gnomAD compares: South Asian, 0.0077%; no homozygotes.

Submissions (3):

Ambry Genetics
Classification: Uncertain significance for Inborn genetic diseases. Last evaluated: 2022-08-08. Review status: criteria provided, single submitter. Criteria: Ambry Variant Classification Scheme 2023. Collection method: clinical testing. Allele origin: germline.

Neuberg Centre For Genomic Medicine, NCGM
Classification: Uncertain significance for Propionic acidemia. Review status: criteria provided, single submitter. Criteria: ACMG Guidelines, 2015. Collection method: clinical testing. Allele origin: germline. Inheritance: Autosomal recessive inheritance. Affected: yes.
Comment: The observed missense variant c.289G>A (p.Asp97Asn) in PCCA gene has not been reported previously as a pathogenic variant nor as a benign variant, to our knowledge. The p.Asp97Asn variant is present with an allele frequency of 0.001% in the gnomAD exomes database. This variant has been submitted to the ClinVar database as Uncertain significance. The amino acid change p.Asp97Asn in PCCA is predicted as conserved by GERP++ and PhyloP across 100 vertebrates. The amino acid Asp at position 97 is changed to a Asn changing protein sequence and it might alter its composition and physico-chemical properties. For these reasons, this variant has been classified as a Variant of Uncertain Significance (VUS).

Natera, Inc.
Classification: Uncertain significance for Propionic acidemia. Last evaluated: 2025-03-04. Review status: no assertion criteria provided. Collection method: clinical testing. Allele origin: germline. Not counted in ClinVar's aggregate classification.